The following is an entry in ClinVar:

NM_005188.4(CBL):c.125A>G (p.His42Arg)

Genes: CBL (Cbl proto-oncogene; plus strand), LOC130006895 (ATAC-STARR-seq lymphoblastoid silent region 3975; plus strand). Cytogenetic location: 11q23.3.
Variant type: single nucleotide variant.
Coding change: c.125A>G on transcript NM_005188.4 (MANE Select); coding-DNA position 125, A replaced by G.
Protein change: p.His42Arg; replaces histidine 42 with arginine.
Molecular consequence: missense variant.
Genome position (GRCh38, 1-based): chr11:119,206,542, A>G. VCF-style: chr11-119206542-A-G. GRCh37 (hg19) VCF-style: chr11-119077252-A-G.
Other names: short protein forms H42R.
Identifiers: ClinVar variation 3995997 (VCV003995997.1).
Genomic context (GRCh38, chr11:119,206,542, plus strand): 5'-CGGGTGGCCTGATTGGGCTCATGAAGGACGCCTTCCAGCCGCACCACCACCACCACCACC[A>G]CCTCAGCCCCCACCCGCCGGGGACGGTGGACAAGAAGATGGTGGAGAAGTGCTGGAAGCT-3'
Protein context (NP_005179.2, residues 32-52): AFQPHHHHHH[His42Arg]LSPHPPGTVD

ClinVar aggregate classification (germline): Uncertain significance (1 of 4 stars; one submission).

Conditions:
Cardiovascular phenotype. Identifiers: MedGen CN230736.

Submission:

Ambry Genetics
Classification: Uncertain significance for Cardiovascular phenotype. Last evaluated: 2025-03-31. Review status: criteria provided, single submitter. Criteria: Ambry Variant Classification Scheme 2023. Collection method: clinical testing. Allele origin: germline.
Comment: The p.H42R variant (also known as c.125A>G), located in coding exon 1 of the CBL gene, results from an A to G substitution at nucleotide position 125. The histidine at codon 42 is replaced by arginine, an amino acid with highly similar properties. This amino acid position is conserved. In addition, the in silico prediction for this alteration is inconclusive. Based on the available evidence, the clinical significance of this variant remains unclear.